The following is an entry in ClinVar:

NM_000255.4(MMUT):c.854dup (p.Leu285fs)

Gene: MMUT (methylmalonyl-CoA mutase; minus strand). Cytogenetic location: 6p12.3.
Variant type: Duplication.
Coding change: c.854dup on transcript NM_000255.4 (MANE Select); coding-DNA position 854, one base duplicated (T; older notation c.854dupT).
Protein change: p.Leu285fs; shifts the reading frame from leucine 285.
Molecular consequence: frameshift variant.
Genome position (GRCh38, 1-based): chr6:49,456,137, A duplicated on the plus strand (T on the coding strand, the reverse complement: MMUT is on the minus strand); the first of 2 consecutive A bases (chr6:49,456,137-49,456,138); duplicating either gives the same sequence. VCF-style (leftmost placement, unchanged base first): chr6-49456136-C-CA. GRCh37 (hg19) VCF-style: chr6-49423849-C-CA.
Other names: c.854dupT (NM_000255.3); short protein forms L285fs.
Identifiers: ClinVar variation 953525 (VCV000953525.8), dbSNP rs1767680613, ClinGen allele CA1088812537.

ClinVar aggregate classification (germline): Pathogenic/Likely pathogenic. Review status: criteria provided, multiple submitters, no conflicts (2 of 4 stars). 2 submissions from 2 submitters: Pathogenic (1); Likely pathogenic (1). Last evaluated 2025-11-09.

Conditions:
Methylmalonic aciduria due to complete methylmalonyl-CoA mutase deficiency.

Submissions (2):

Natera, Inc.
Classification: Likely pathogenic for Methylmalonic aciduria due to complete methylmalonyl-CoA mutase deficiency. Last evaluated: 2025-11-09. Review status: criteria provided, single submitter. Criteria: Natera Variant Classification Schema (03/2026). Collection method: clinical testing. Allele origin: germline.
Comment: The c.854dupT variant in MMUT is a frameshift variant predicted to shift the reading frame beginning at codon 285 and leads to a stop codon 5 codons downstream. This variant is expected to result in nonsense mediated decay, truncation, or a dysfunctional protein product. This variant is rare in the general population with a frequency below the threshold expected for the associated phenotype(s). Given the available evidence, this variant is classified as Likely Pathogenic.

Labcorp Genetics (formerly Invitae), Labcorp
Classification: Pathogenic. Last evaluated: 2023-01-24. Review status: criteria provided, single submitter. Criteria: Invitae Variant Classification Sherloc (09022015). Collection method: clinical testing. Allele origin: germline.
Comment: ClinVar contains an entry for this variant (Variation ID: 953525). This variant has not been reported in the literature in individuals affected with MUT-related conditions. This variant is not present in population databases (gnomAD no frequency). This sequence change creates a premature translational stop signal (p.Leu285Phefs*5) in the MUT gene. It is expected to result in an absent or disrupted protein product. Loss-of-function variants in MUT are known to be pathogenic (PMID: 15781192). For these reasons, this variant has been classified as Pathogenic.

Literature cited by the submitters: PubMed 15781192 (cited by Labcorp Genetics (formerly Invitae), Labcorp).